The following is an entry in ClinVar:

ClinVar aggregate classification (germline): Uncertain significance (1 of 4 stars; one submission).

Allele frequency attached by ClinVar (database versions not stated): gnomAD 0.00001; gnomAD exomes 0.00001; TOPMed 0.00001.
gnomAD v4.1: 9 of 1,590,896 alleles (0.00057%); highest among the groups gnomAD compares: Non-Finnish European, 0.00077%; no homozygotes.

Submission:

Labcorp Genetics (formerly Invitae), Labcorp
Classification: Uncertain significance. Last evaluated: 2023-08-09. Review status: criteria provided, single submitter. Criteria: Invitae Variant Classification Sherloc (09022015). Collection method: clinical testing. Allele origin: germline.
Comment: This sequence change replaces phenylalanine, which is neutral and non-polar, with isoleucine, which is neutral and non-polar, at codon 2 of the YME1L1 protein (p.Phe2Ile). The frequency data for this variant in the population databases is considered unreliable, as metrics indicate poor data quality at this position in the gnomAD database. This variant has not been reported in the literature in individuals affected with YME1L1-related conditions. An algorithm developed to predict the effect of missense changes on protein structure and function (PolyPhen-2) suggests that this variant is likely to be disruptive. In summary, the available evidence is currently insufficient to determine the role of this variant in disease. Therefore, it has been classified as a Variant of Uncertain Significance.

NM_014263.4(YME1L1):c.4T>A (p.Phe2Ile)

Gene: YME1L1 (YME1 like 1 ATPase; minus strand). Cytogenetic location: 10p12.1.
Variant type: single nucleotide variant.
Coding change: c.4T>A on transcript NM_014263.4 (MANE Select); coding-DNA position 4, T replaced by A.
Protein change: p.Phe2Ile; replaces phenylalanine 2 with isoleucine.
Molecular consequence: missense variant.
Genome position (GRCh38, 1-based): chr10:27,154,207, A>T on the plus strand (T>A on the coding strand, the complement: YME1L1 is on the minus strand). VCF-style: chr10-27154207-A-T. GRCh37 (hg19) VCF-style: chr10-27443136-A-T.
Other names: c.4T>A, p.Phe2Ile (NM_001253866.2, NM_139312.3); short protein forms F2I.
Identifiers: ClinVar variation 2836686 (VCV002836686.3), dbSNP rs1266712149, ClinGen allele CA376379126.